The following is an entry in ClinVar:

NM_001378454.1(ALMS1):c.5147A>G (p.Glu1716Gly)

Gene: ALMS1 (ALMS1 centrosome and basal body associated protein; plus strand). Cytogenetic location: 2p13.1.
Variant type: single nucleotide variant.
Coding change: c.5147A>G on transcript NM_001378454.1 (MANE Select); coding-DNA position 5147, A replaced by G.
Protein change: p.Glu1716Gly; replaces glutamic acid 1716 with glycine.
Molecular consequence: missense variant.
Genome position (GRCh38, 1-based): chr2:73,451,674, A>G. VCF-style: chr2-73451674-A-G. GRCh37 (hg19) VCF-style: chr2-73678801-A-G.
Other names: c.5150A>G, p.Glu1717Gly (NM_015120.4); short protein forms E1716G, E1717G.
Identifiers: ClinVar variation 1061039 (VCV001061039.9), dbSNP rs760638961, ClinGen allele CA1713830.

ClinVar aggregate classification (germline): Uncertain significance. Review status: criteria provided, multiple submitters, no conflicts (2 of 4 stars). 3 submissions from 3 submitters: Uncertain significance (2). 1 of the submissions does not count toward it. Last evaluated 2022-08-20.

Conditions:
Alstrom syndrome (ALMS). Identifiers: Orphanet 64, MedGen C0268425, MONDO:0008763, OMIM 203800.

Allele frequency attached by ClinVar (database versions not stated): gnomAD 0.00001; gnomAD exomes 0.00001; ExAC 0.00002.
gnomAD v4.1: 19 of 1,613,982 alleles (0.0012%); highest among the groups gnomAD compares: Non-Finnish European, 0.0015%; no homozygotes.

Submissions (3):

Labcorp Genetics (formerly Invitae), Labcorp
Classification: Uncertain significance for Alstrom syndrome. Last evaluated: 2022-08-20. Review status: criteria provided, single submitter. Criteria: Invitae Variant Classification Sherloc (09022015). Collection method: clinical testing. Allele origin: germline.
Comment: This sequence change replaces glutamic acid, which is acidic and polar, with glycine, which is neutral and non-polar, at codon 1717 of the ALMS1 protein (p.Glu1717Gly). This variant is present in population databases (rs760638961, gnomAD 0.003%). This variant has not been reported in the literature in individuals affected with ALMS1-related conditions. ClinVar contains an entry for this variant (Variation ID: 1061039). Experimental studies and prediction algorithms are not available or were not evaluated, and the functional significance of this variant is currently unknown. In summary, the available evidence is currently insufficient to determine the role of this variant in disease. Therefore, it has been classified as a Variant of Uncertain Significance.

Fulgent Genetics
Classification: Uncertain significance for Alstrom syndrome. Last evaluated: 2021-08-26. Review status: criteria provided, single submitter. Criteria: ACMG Guidelines, 2015. Collection method: clinical testing. Allele origin: unknown.

Natera, Inc.
Classification: Uncertain significance for Alstrom syndrome. Last evaluated: 2020-11-19. Review status: no assertion criteria provided. Collection method: clinical testing. Allele origin: germline. Not counted in ClinVar's aggregate classification.